The following is an entry in ClinVar:

ClinVar aggregate classification (germline): Uncertain significance (1 of 4 stars; one submission).

Conditions:
X-linked Emery-Dreifuss muscular dystrophy. Also called: Muscular dystrophy, tardive Emery-Dreifuss type, with contractures. Identifiers: Orphanet 261, Orphanet 98863, MedGen C0751337, MONDO:0010680.

Submission:

Labcorp Genetics (formerly Invitae), Labcorp
Classification: Uncertain significance for X-linked Emery-Dreifuss muscular dystrophy. Last evaluated: 2023-11-20. Review status: criteria provided, single submitter. Criteria: Invitae Variant Classification Sherloc (09022015). Collection method: clinical testing. Allele origin: germline.
Comment: This sequence change replaces isoleucine, which is neutral and non-polar, with valine, which is neutral and non-polar, at codon 164 of the EMD protein (p.Ile164Val). This variant is not present in population databases (gnomAD no frequency). This variant has not been reported in the literature in individuals affected with EMD-related conditions. Advanced modeling of protein sequence and biophysical properties (such as structural, functional, and spatial information, amino acid conservation, physicochemical variation, residue mobility, and thermodynamic stability) performed at Invitae indicates that this missense variant is not expected to disrupt EMD protein function with a negative predictive value of 80%. In summary, the available evidence is currently insufficient to determine the role of this variant in disease. Therefore, it has been classified as a Variant of Uncertain Significance.

NM_000117.3(EMD):c.490A>G (p.Ile164Val)

Gene: EMD (emerin; plus strand). Cytogenetic location: Xq28.
Variant type: single nucleotide variant.
Coding change: c.490A>G on transcript NM_000117.3 (MANE Select); coding-DNA position 490, A replaced by G.
Protein change: p.Ile164Val; replaces isoleucine 164 with valine.
Molecular consequence: missense variant.
Genome position (GRCh38, 1-based): chrX:154,380,922, A>G. VCF-style: chrX-154380922-A-G. GRCh37 (hg19) VCF-style: chrX-153609282-A-G.
Other names: short protein forms I164V.
Identifiers: ClinVar variation 2697534 (VCV002697534.3), dbSNP rs2067884058, ClinGen allele CA415258570.